The following is an entry in ClinVar:

NM_006648.4(WNK2):c.5474C>T (p.Ser1825Phe)

Gene: WNK2 (WNK lysine deficient protein kinase 2; plus strand). Cytogenetic location: 9q22.31.
Variant type: single nucleotide variant.
Coding change: c.5474C>T on transcript NM_006648.4 (MANE Select); coding-DNA position 5474, C replaced by T.
Protein change: p.Ser1825Phe; replaces serine 1825 with phenylalanine.
Molecular consequence: missense variant.
Genome position (GRCh38, 1-based): chr9:93,292,939, C>T. VCF-style: chr9-93292939-C-T. GRCh37 (hg19) VCF-style: chr9-96055221-C-T.
Other names: c.5585C>T, p.Ser1862Phe (NM_001282394.3); short protein forms S1825F, S1862F.
Identifiers: ClinVar variation 3190654 (VCV003190654.2), dbSNP rs551004147, ClinGen allele CA5130602.

ClinVar aggregate classification (germline): Uncertain significance (1 of 4 stars; one submission).

Allele frequency attached by ClinVar (database versions not stated): gnomAD exomes 0.00001; ExAC 0.00006; TOPMed 0.00007; 1000 Genomes Project 30x 0.00031; 1000 Genomes Project 0.00040.
gnomAD v4.1: 20 of 1,531,788 alleles (0.0013%); highest among the groups gnomAD compares: African/African-American, 0.025%; no homozygotes.

Submission:

Ambry Genetics
Classification: Uncertain significance. Last evaluated: 2024-11-25. Review status: criteria provided, single submitter. Criteria: Ambry Variant Classification Scheme 2023. Collection method: clinical testing. Allele origin: germline.
Comment: The p.S1825F variant (also known as c.5474C>T), located in coding exon 22 of the WNK2 gene, results from a C to T substitution at nucleotide position 5474. The serine at codon 1825 is replaced by phenylalanine, an amino acid with highly dissimilar properties. This amino acid position is conserved. In addition, this alteration is predicted to be tolerated by in silico analysis. Based on the available evidence, the clinical significance of this variant remains unclear.